The following is an entry in ClinVar:

NM_001166108.2(PALLD):c.2255A>T (p.Tyr752Phe)

Genes: CBR4 (carbonyl reductase 4; minus strand), PALLD (palladin, cytoskeletal associated protein; plus strand). Cytogenetic location: 4q32.3.
Variant type: single nucleotide variant.
Coding change: c.2255A>T on transcript NM_001166108.2 (MANE Select); coding-DNA position 2255, A replaced by T.
Protein change: p.Tyr752Phe; replaces tyrosine 752 with phenylalanine.
Molecular consequence: missense variant.
Genome position (GRCh38, 1-based): chr4:168,898,497, A>T. VCF-style: chr4-168898497-A-T. GRCh37 (hg19) VCF-style: chr4-169819648-A-T.
Other names: c.1058A>T, p.Tyr353Phe (NM_001166109.2); c.743A>T, p.Tyr248Phe (NM_001166110.2); c.83A>T, p.Tyr28Phe (NM_001367567.1, NM_001367569.1); c.134A>T, p.Tyr45Phe (NM_001367568.1, NM_001367570.1); c.2204A>T, p.Tyr735Phe (NM_016081.4); short protein forms Y735F, Y752F, Y248F, Y28F, Y353F, Y45F.
Identifiers: ClinVar variation 1787671 (VCV001787671.8), dbSNP rs923093903, ClinGen allele CA110518033.
Genomic context (GRCh38, chr4:168,898,497, plus strand): 5'-CGTGACACTTTGTCAGAAGGGATTGAGTCTGCTAACTTAAACTTTCCTTGATTCAGGAAT[A>T]CAAAGTCTCCAGCTGTGAACAGAGACTCATCAGTGAAATAGAGTACAGGCTAGAAAGGTC-3'
Protein context (NP_001159580.1, residues 742-762): VGSPLDGQKE[Tyr752Phe]KVSSCEQRLI

ClinVar aggregate classification (germline): Uncertain significance. Review status: criteria provided, multiple submitters, no conflicts (2 of 4 stars). 2 submissions from 2 submitters: Uncertain significance (2). Last evaluated 2025-09-13.

Conditions:
Pancreatic adenocarcinoma. Identifiers: MedGen C0281361, MONDO:0006047, HP:0006725.

Allele frequency attached by ClinVar (database versions not stated): TOPMed 0.00001.
gnomAD v4.1: 4 of 1,608,494 alleles (0.00025%); highest among the groups gnomAD compares: Admixed American, 0.0067%; no homozygotes.

Submissions (2):

Labcorp Genetics (formerly Invitae), Labcorp
Classification: Uncertain significance for Pancreatic adenocarcinoma. Last evaluated: 2025-09-13. Review status: criteria provided, single submitter. Criteria: Invitae Variant Classification Sherloc (09022015). Collection method: clinical testing. Allele origin: germline.
Comment: This sequence change replaces tyrosine, which is neutral and polar, with phenylalanine, which is neutral and non-polar, at codon 248 of the PALLD protein (p.Tyr248Phe). This variant is not present in population databases (gnomAD no frequency). This variant has not been reported in the literature in individuals affected with PALLD-related conditions. ClinVar contains an entry for this variant (Variation ID: 1787671). An algorithm developed to predict the effect of missense changes on protein structure and function (PolyPhen-2) suggests that this variant is likely to be tolerated. In summary, the available evidence is currently insufficient to determine the role of this variant in disease. Therefore, it has been classified as a Variant of Uncertain Significance.

Ambry Genetics
Classification: Uncertain significance. Last evaluated: 2023-09-05. Review status: criteria provided, single submitter. Criteria: Ambry Variant Classification Scheme 2023. Collection method: clinical testing. Allele origin: germline.
Comment: The p.Y735F variant (also known as c.2204A>T), located in coding exon 12 of the PALLD gene, results from an A to T substitution at nucleotide position 2204. The tyrosine at codon 735 is replaced by phenylalanine, an amino acid with highly similar properties. This amino acid position is conserved. In addition, the in silico prediction for this alteration is inconclusive. Since supporting evidence is limited at this time, the clinical significance of this alteration remains unclear.